The following is an entry in ClinVar:

NM_000528.4(MAN2B1):c.2516G>A (p.Arg839Gln)

Gene: MAN2B1 (mannosidase alpha class 2B member 1; minus strand). Cytogenetic location: 19p13.13.
Variant type: single nucleotide variant.
Coding change: c.2516G>A on transcript NM_000528.4 (MANE Select); coding-DNA position 2516, G replaced by A.
Protein change: p.Arg839Gln; replaces arginine 839 with glutamine.
Molecular consequence: missense variant.
Genome position (GRCh38, 1-based): chr19:12,648,323, C>T on the plus strand (G>A on the coding strand, the complement: MAN2B1 is on the minus strand). VCF-style: chr19-12648323-C-T. GRCh37 (hg19) VCF-style: chr19-12759137-C-T.
Other names: c.2513G>A, p.Arg838Gln (NM_001173498.2); short protein forms R838Q, R839Q.
Identifiers: ClinVar variation 856197 (VCV000856197.7), dbSNP rs2023749207, ClinGen allele CA404240153.
Genomic context (GRCh38, chr19:12,648,323, plus strand): 5'-AGGAGCCGGTGTCCGGCGGCTGCAGCCTGGGCTGTGTCCAGCAGCACCAGGTGGCGCCCT[C>T]GCACCCACGCCCCCGACCCGTTCTCCATTAGTGGCTCCGATACTCCGCGTCCATCGTCCT-3'
Protein context (NP_000519.2, residues 829-849): LMENGSGAWV[Arg839Gln]GRHLVLLDTA

ClinVar aggregate classification (germline): Uncertain significance (1 of 4 stars; one submission).

Conditions:
Deficiency of alpha-mannosidase (MANSA). Also called: Alpha-Mannosidosis; Mannosidosis, alpha-, types I and II; LYSOSOMAL ALPHA-D-MANNOSIDASE DEFICIENCY. Identifiers: Orphanet 61, MedGen C0024748, MONDO:0009561, OMIM 248500.

Submission:

Labcorp Genetics (formerly Invitae), Labcorp
Classification: Uncertain significance for Deficiency of alpha-mannosidase. Last evaluated: 2021-09-01. Review status: criteria provided, single submitter. Criteria: Invitae Variant Classification Sherloc (09022015). Collection method: clinical testing. Allele origin: germline.
Comment: This sequence change replaces arginine with glutamine at codon 839 of the MAN2B1 protein (p.Arg839Gln). The arginine residue is highly conserved and there is a small physicochemical difference between arginine and glutamine. This variant is not present in population databases (ExAC no frequency). This variant has not been reported in the literature in individuals affected with MAN2B1-related conditions. Algorithms developed to predict the effect of missense changes on protein structure and function are either unavailable or do not agree on the potential impact of this missense change (SIFT: "Deleterious"; PolyPhen-2: "Probably Damaging"; Align-GVGD: "Class C0"). In summary, the available evidence is currently insufficient to determine the role of this variant in disease. Therefore, it has been classified as a Variant of Uncertain Significance.